The following is an entry in ClinVar:

ClinVar aggregate classification (germline): Uncertain significance (1 of 4 stars; one submission).

Submission:

GeneDx
Classification: Uncertain significance. Last evaluated: 2024-09-20. Review status: criteria provided, single submitter. Criteria: GeneDx Variant Classification Process June 2021. Collection method: clinical testing. Allele origin: germline. Affected: yes.
Comment: Not observed at significant frequency in large population cohorts (gnomAD); In silico analysis supports that this missense variant has a deleterious effect on protein structure/function; Has not been previously published as pathogenic or benign to our knowledge

NM_001145358.2(SIN3A):c.1634A>T (p.Glu545Val)

Gene: SIN3A (SIN3 transcription regulator family member A; minus strand). Cytogenetic location: 15q24.2.
Variant type: single nucleotide variant.
Coding change: c.1634A>T on transcript NM_001145358.2 (MANE Select); coding-DNA position 1634, A replaced by T.
Protein change: p.Glu545Val; replaces glutamic acid 545 with valine.
Molecular consequence: missense variant.
Genome position (GRCh38, 1-based): chr15:75,400,833, T>A on the plus strand (A>T on the coding strand, the complement: SIN3A is on the minus strand). VCF-style: chr15-75400833-T-A. GRCh37 (hg19) VCF-style: chr15-75693174-T-A.
Other names: c.1634A>T, p.Glu545Val (NM_001145357.2, NM_015477.3); short protein forms E545V.
Identifiers: ClinVar variation 3774205 (VCV003774205.1).